The following is an entry in ClinVar:

ClinVar aggregate classification (germline): Conflicting classifications of pathogenicity. Review status: criteria provided, conflicting classifications (1 of 4 stars). 4 submissions from 4 submitters: Uncertain significance (1); Likely benign (1). 2 of the submissions do not count toward it. Last evaluated 2025-04-09.

Conditions:
Hereditary cancer-predisposing syndrome. Also called: Hereditary Cancer Syndrome; Hereditary neoplastic syndrome; Neoplastic Syndromes, Hereditary; Tumor predisposition. Identifiers: Orphanet 140162, MedGen C0027672, MeSH D009386, MONDO:0015356.
Breast and/or ovarian cancer. Identifiers: MedGen CN221562.
Hereditary breast ovarian cancer syndrome. Also called: Hereditary breast and ovarian cancer syndrome (HBOC); Breast and ovarian cancer; BRCA1- and BRCA2-Associated Hereditary Breast and Ovarian Cancer; Hereditary breast and/or ovarian cancer syndrome; Hereditary breast and ovarian cancer; Hereditary breast and ovarian cancer syndrome. Identifiers: Orphanet 145, MedGen C0677776, MeSH D061325, MONDO:0003582. Disease mechanism: loss of function.
Malignant tumor of breast. Also called: Malignant breast neoplasm; Cancer breast. Identifiers: MedGen C0006142, MONDO:0007254. Disease mechanism: loss of function.

Allele frequency attached by ClinVar (database versions not stated): gnomAD exomes below 0.00001.
gnomAD v4.1: 1 of 1,614,202 alleles (0.000062%); highest among the groups gnomAD compares: Non-Finnish European, 0.000085%; no homozygotes.

Submissions (4):

Labcorp Genetics (formerly Invitae), Labcorp
Classification: Uncertain significance for Hereditary breast ovarian cancer syndrome. Last evaluated: 2025-04-09. Review status: criteria provided, single submitter. Criteria: Invitae Variant Classification Sherloc (09022015). Collection method: clinical testing. Allele origin: germline.
Comment: This sequence change replaces cysteine, which is neutral and slightly polar, with tyrosine, which is neutral and polar, at codon 1270 of the BRCA1 protein (p.Cys1270Tyr). This variant is present in population databases (no rsID available, gnomAD 0.0009%). This variant has not been reported in the literature in individuals affected with BRCA1-related conditions. ClinVar contains an entry for this variant (Variation ID: 433708). Invitae Evidence Modeling of protein sequence and biophysical properties (such as structural, functional, and spatial information, amino acid conservation, physicochemical variation, residue mobility, and thermodynamic stability) indicates that this missense variant is not expected to disrupt BRCA1 protein function with a negative predictive value of 80%. In summary, the available evidence is currently insufficient to determine the role of this variant in disease. Therefore, it has been classified as a Variant of Uncertain Significance.

University of Washington Department of Laboratory Medicine, University of Washington
Classification: Likely benign for Hereditary cancer-predisposing syndrome. Last evaluated: 2023-03-23. Review status: criteria provided, single submitter. Criteria: Dines et al. (Genet Med. 2020). Collection method: curation. Allele origin: germline.
Comment: Missense variant in a coldspot region where missense variants are very unlikely to be pathogenic (PMID:31911673).

BRCA1 coldspot (exon 11 using historical exon numbering). Reclassification based on statistical prior probability

Foulkes Cancer Genetics LDI, Lady Davis Institute for Medical Research
Classification: Uncertain significance for Breast and/or ovarian cancer. Last evaluated: 2013-09-28. Review status: no assertion criteria provided. Collection method: clinical testing. Allele origin: germline. Study: The Canadian Open Genetics Repository (COGR). Not counted in ClinVar's aggregate classification.

Department of Pathology and Laboratory Medicine, Sinai Health System
Classification: Uncertain significance for Malignant tumor of breast. Review status: no assertion criteria provided. Collection method: clinical testing. Allele origin: unknown. Affected: yes. Observed: 1 variant allele. Study: The Canadian Open Genetics Repository (COGR). Not counted in ClinVar's aggregate classification.
Comment: The BRCA1 p.Cys1270Tyr variant was not identified in the literature, nor was it identified in the dbSNP, HGMD, LOVD, COSMIC, UMD, or BIC databases. The p.Cys1270 residue is not conserved in mammals and the variant amino acid threonine (Thr) is present in orangutan, increasing the likelihood that this variant does not have clinical significance. Computational analyses (PolyPhen-2, SIFT, AlignGVGD, BLOSUM) provide inconsistent predictions regarding the impact to the protein and this information is not very predictive of pathogenicity. In summary, based on the above information, the clinical significance of this variant cannot be determined with certainty at this time. This variant is classified as a variant of unknown significance.

NM_007294.4(BRCA1):c.3809G>A (p.Cys1270Tyr)

Genes: BRCA1 (BRCA1 DNA repair associated; minus strand), LOC126862571 (BRD4-independent group 4 enhancer GRCh37_chr17:41243136-41244335; plus strand). Cytogenetic location: 17q21.31.
Variant type: single nucleotide variant.
Coding change: c.3809G>A on transcript NM_007294.4 (MANE Select); coding-DNA position 3809, G replaced by A.
Protein change: p.Cys1270Tyr; replaces cysteine 1270 with tyrosine.
Molecular consequence: missense variant. On other transcripts: intron variant (135).
Genome position (GRCh38, 1-based): chr17:43,091,722, C>T on the plus strand (G>A on the coding strand, the complement: BRCA1 is on the minus strand). VCF-style: chr17-43091722-C-T. GRCh37 (hg19) VCF-style: chr17-41243739-C-T.
Other names: c.3596G>A, p.Cys1199Tyr (NM_001407895.1, NM_001407896.1, NM_001407897.1 and 9 more transcripts); c.3599G>A, p.Cys1200Tyr (NM_001407900.1, NM_001407902.1, NM_001407904.1 and 13 more transcripts); c.3686G>A, p.Cys1229Tyr (NM_001407919.1, NM_001407937.1, NM_001407938.1 and 19 more transcripts); c.3545G>A, p.Cys1182Tyr (NM_001407920.1, NM_001407921.1, NM_001407922.1 and 9 more transcripts); c.3542G>A, p.Cys1181Tyr (NM_001407930.1, NM_001407931.1, NM_001407932.1 and 2 more transcripts); c.3683G>A, p.Cys1228Tyr (NM_001407940.1, NM_001407941.1, NM_001407649.1 and 11 more transcripts); c.3668G>A, p.Cys1223Tyr (NM_001407942.1, NM_001407944.1, NM_001407945.1 and 29 more transcripts); c.3665G>A, p.Cys1222Tyr (NM_001407943.1, NM_001407964.1, NM_001407740.1 and 20 more transcripts); and 41 more; short protein forms C1270Y, C1223Y, C1102Y, C1203Y, C1267Y, C1142Y, C1158Y, C1159Y.
Identifiers: ClinVar variation 433708 (VCV000433708.8), dbSNP rs1207787135, ClinGen allele CA10594351.
Genomic context (GRCh38, chr17:43,091,722, plus strand): 5'-TTTGTTTCCTCACTAAGGTGATGTTCCTGAGATGCCTTTGCCAATATTACCTGGTTACTG[C>T]AGTCATTTAAGCTATTCTTCAATGATAATAAATTCTCCTCTGTGTTCTTAGACAGACACT-3'
Protein context (NP_009225.1, residues 1260-1280): LLSLKNSLND[Cys1270Tyr]SNQVILAKAS